The following is an entry in ClinVar:

NM_032888.4(COL27A1):c.4339C>A (p.Pro1447Thr)

Gene: COL27A1 (collagen type XXVII alpha 1 chain; plus strand). Cytogenetic location: 9q32.
Variant type: single nucleotide variant.
Coding change: c.4339C>A on transcript NM_032888.4 (MANE Select); coding-DNA position 4339, C replaced by A.
Protein change: p.Pro1447Thr; replaces proline 1447 with threonine.
Molecular consequence: missense variant.
Genome position (GRCh38, 1-based): chr9:114,290,302, C>A. VCF-style: chr9-114290302-C-A. GRCh37 (hg19) VCF-style: chr9-117052582-C-A.
Other names: short protein forms P1447T.
Identifiers: ClinVar variation 2185283 (VCV002185283.1), dbSNP rs376910184, ClinGen allele CA5202927.
Genomic context (GRCh38, chr9:114,290,302, plus strand): 5'-GGGCCCCGGGGCGTGGTGGGGAGACAGGGCCTCGAGGGCATCGCTGGACCAGATGGGCTT[C>A]CTGGCAGGGACGGGCAAGCAGGACAGCAGGTGAGCGGGAATTGGCATTAACAGATGGTGG-3'
Protein context (NP_116277.2, residues 1437-1457): LEGIAGPDGL[Pro1447Thr]GRDGQAGQQG

ClinVar aggregate classification (germline): Uncertain significance (1 of 4 stars; one submission).

Allele frequency attached by ClinVar (database versions not stated): TOPMed below 0.00001; gnomAD exomes 0.00001; ExAC 0.00003; ESP Exome Variant Server 0.00015.
gnomAD v4.1: 12 of 1,583,422 alleles (0.00076%); highest among the groups gnomAD compares: Non-Finnish European, 0.001%; no homozygotes.

Submission:

Labcorp Genetics (formerly Invitae), Labcorp
Classification: Uncertain significance. Last evaluated: 2022-06-23. Review status: criteria provided, single submitter. Criteria: Invitae Variant Classification Sherloc (09022015). Collection method: clinical testing. Allele origin: germline.
Comment: This sequence change replaces proline, which is neutral and non-polar, with threonine, which is neutral and polar, at codon 1447 of the COL27A1 protein (p.Pro1447Thr). The frequency data for this variant in the population databases is considered unreliable, as metrics indicate poor data quality at this position in the gnomAD database. This variant has not been reported in the literature in individuals affected with COL27A1-related conditions. Advanced modeling of protein sequence and biophysical properties (such as structural, functional, and spatial information, amino acid conservation, physicochemical variation, residue mobility, and thermodynamic stability) performed at Invitae indicates that this missense variant is not expected to disrupt COL27A1 protein function. In summary, the available evidence is currently insufficient to determine the role of this variant in disease. Therefore, it has been classified as a Variant of Uncertain Significance.